The following is an entry in ClinVar:

ClinVar aggregate classification (germline): Uncertain significance (1 of 4 stars; one submission).

Conditions:
Hereditary cancer-predisposing syndrome. Also called: Tumor predisposition; Neoplastic Syndromes, Hereditary; Hereditary Cancer Syndrome; Hereditary neoplastic syndrome. Identifiers: Orphanet 140162, MedGen C0027672, MeSH D009386, MONDO:0015356.

Submission:

Ambry Genetics
Classification: Uncertain significance for Hereditary cancer-predisposing syndrome. Last evaluated: 2024-08-04. Review status: criteria provided, single submitter. Criteria: Ambry Variant Classification Scheme 2023. Collection method: clinical testing. Allele origin: germline.
Comment: The p.L162S variant (also known as c.485T>C), located in coding exon 4 of the CTNNA1 gene, results from a T to C substitution at nucleotide position 485. The leucine at codon 162 is replaced by serine, an amino acid with dissimilar properties. This amino acid position is conserved. In addition, this alteration is predicted to be tolerated by in silico analysis. Based on the available evidence, the clinical significance of this variant remains unclear.

NM_001903.5(CTNNA1):c.485T>C (p.Leu162Ser)

Gene: CTNNA1 (catenin alpha 1; plus strand). Cytogenetic location: 5q31.2.
Variant type: single nucleotide variant.
Coding change: c.485T>C on transcript NM_001903.5 (MANE Select); coding-DNA position 485, T replaced by C.
Protein change: p.Leu162Ser; replaces leucine 162 with serine.
Molecular consequence: missense variant.
Genome position (GRCh38, 1-based): chr5:138,812,199, T>C. VCF-style: chr5-138812199-T-C. GRCh37 (hg19) VCF-style: chr5-138147888-T-C.
Other names: c.485T>C, p.Leu162Ser (NM_001290307.3, NM_001323982.2, NM_001323983.1 and 3 more transcripts); c.176T>C, p.Leu59Ser (NM_001290309.3); c.116T>C, p.Leu39Ser (NM_001290310.3); short protein forms L59S, L39S, L162S.
Identifiers: ClinVar variation 3498217 (VCV003498217.1).